The following is an entry in ClinVar:

NM_000138.5(FBN1):c.7842T>A (p.Ala2614=)

Gene: FBN1 (fibrillin 1; minus strand). Cytogenetic location: 15q21.1.
Variant type: single nucleotide variant.
Coding change: c.7842T>A on transcript NM_000138.5 (MANE Select); coding-DNA position 7842, T replaced by A.
Protein change: p.Ala2614=; no amino-acid change (alanine 2614 retained).
Molecular consequence: synonymous variant.
Genome position (GRCh38, 1-based): chr15:48,415,745, A>T on the plus strand (T>A on the coding strand, the complement: FBN1 is on the minus strand). VCF-style: chr15-48415745-A-T. GRCh37 (hg19) VCF-style: chr15-48707942-A-T.
Identifiers: ClinVar variation 1529361 (VCV001529361.11), dbSNP rs764496589, ClinGen allele CA490119480.
Genomic context (GRCh38, chr15:48,415,745, plus strand): 5'-GGGACACATGCACTTGTAGCTCCCCAGGGTGTTGTGACAGGAGGCTCCTCCGCAGATGTG[A>T]GCGCTGAGGCATTCGTTTTCATCTGCAGGCAAAATAAGAAGCGGCATGTGTGGCAGCAGC-3'
Protein context (NP_000129.3, residues 2604-2624): QCVDENECLS[Ala2614=]HICGGASCHN

ClinVar aggregate classification (germline): Likely benign. Review status: criteria provided, multiple submitters, no conflicts (2 of 4 stars). 3 submissions from 3 submitters: Likely benign (3). Last evaluated 2024-07-04.

Conditions:
Marfan syndrome (MFS). Also called: MARFAN SYNDROME, TYPE I; Marfan syndrome type 1; Marfan's syndrome; Marfan syndrome, classic; FBN1-Related Marfan Syndrome. Identifiers: Orphanet 284963, Orphanet 558, MedGen C0024796, MONDO:0007947, OMIM 154700.
Familial thoracic aortic aneurysm and aortic dissection (TAAD). Also called: Thoracic aortic aneurysms and dissections. Identifiers: Orphanet 91387, MedGen C4707243, MONDO:0019625.

gnomAD v4.1: 4 of 1,614,054 alleles (0.00025%); highest among the groups gnomAD compares: Admixed American, 0.0017%; no homozygotes.

Submissions (3):

Labcorp Genetics (formerly Invitae), Labcorp
Classification: Likely benign for Marfan syndrome; Familial thoracic aortic aneurysm and aortic dissection. Last evaluated: 2024-07-04. Review status: criteria provided, single submitter. Criteria: Invitae Variant Classification Sherloc (09022015). Collection method: clinical testing. Allele origin: germline.

All of Us Research Program, National Institutes of Health
Classification: Likely benign for Marfan syndrome. Last evaluated: 2023-10-06. Review status: criteria provided, single submitter. Criteria: ACMG Guidelines, 2015. Collection method: clinical testing. Allele origin: germline. Inheritance: Autosomal dominant inheritance. Observed: 2 variant alleles, 2 heterozygotes.
Comment: This study involves interpretation of variants in research participants for the purpose of population health screening. Participant phenotype was not available at the time of variant classification. Additional details can be found in publication PMID: 35346344, PMCID: PMC8962531

Ambry Genetics
Classification: Likely benign for Familial thoracic aortic aneurysm and aortic dissection. Last evaluated: 2022-06-19. Review status: criteria provided, single submitter. Criteria: Ambry Variant Classification Scheme 2023. Collection method: clinical testing. Allele origin: germline.